The following is an entry in ClinVar:

NM_001127198.5(TMC6):c.1811+25A>G

Gene: TMC6 (transmembrane channel like 6; minus strand). Cytogenetic location: 17q25.3.
Variant type: single nucleotide variant.
Coding change: c.1811+25A>G on transcript NM_001127198.5 (MANE Select); 25 bases into the intron after coding-DNA position 1811, A replaced by G.
Molecular consequence: intron variant.
Genome position (GRCh38, 1-based): chr17:78,119,272, T>C on the plus strand (A>G on the coding strand, the complement: TMC6 is on the minus strand). VCF-style: chr17-78119272-T-C. GRCh37 (hg19) VCF-style: chr17-76115353-T-C.
Other names: c.1631+25A>G (NM_001374594.1, NM_001374593.1); c.1811+25A>G (NM_001374596.1, NM_007267.7, NM_001321185.1 and 2 more transcripts).
Identifiers: ClinVar variation 1183294 (VCV001183294.5), dbSNP rs2748428, ClinGen allele CA8795561.
Genomic context (GRCh38, chr17:78,119,272, plus strand): 5'-AGGGGGAGGCAGGTACAGGACCCCCGGGGGGAAAGGGGCACTGACCGAGGGGCCAGACAG[T>C]AGGAGGCAAGCAGAGGACCCTCACCAGGTCAGAGTCTGCCCATAAATCAGCTCCAGGACA-3'

ClinVar aggregate classification (germline): Benign. Review status: criteria provided, multiple submitters, no conflicts (2 of 4 stars). 3 submissions from 3 submitters: Benign (3). Last evaluated 2024-01-24.

Allele frequency attached by ClinVar (database versions not stated): ExAC 0.62109; ESP Exome Variant Server 0.62194; gnomAD exomes 0.62340; gnomAD 0.63422 and 0.63847; TOPMed 0.65965; 1000 Genomes Project 0.75879; 1000 Genomes Project 30x 0.75937.
gnomAD v4.1: 904,133 of 1,612,592 alleles (56%); highest among the groups gnomAD compares: East Asian, 84%; 262,451 homozygotes.

Submissions (3):

Unidad de Genómica Garrahan, Hospital de Pediatría Garrahan
Classification: Benign. Last evaluated: 2024-01-24. Review status: criteria provided, single submitter. Criteria: ACMG Guidelines, 2015. Collection method: clinical testing. Allele origin: germline. Affected: no. Observed: 76 variant alleles.
Comment: This variant is classified as Benign based on local population frequency. This variant was detected in 86% of patients studied by a panel of primary immunodeficiencies. Number of patients: 76. Only high quality variants are reported.

GeneDx
Classification: Benign. Last evaluated: 2018-07-09. Review status: criteria provided, single submitter. Criteria: GeneDx Variant Classification Process June 2021. Collection method: clinical testing. Allele origin: germline. Affected: yes.

Breakthrough Genomics
Classification: Benign. Review status: criteria provided, single submitter. Criteria: ACMG Guidelines, 2015. Collection method: not provided. Allele origin: germline. Inheritance: Autosomal recessive inheritance. Affected: yes.